The following is an entry in ClinVar:

NM_000535.7(PMS2):c.927C>G (p.Val309=)

Gene: PMS2 (PMS1 homolog 2, mismatch repair system component; minus strand). Cytogenetic location: 7p22.1.
Variant type: single nucleotide variant.
Coding change: c.927C>G on transcript NM_000535.7 (MANE Select); coding-DNA position 927, C replaced by G.
Protein change: p.Val309=; no amino-acid change (valine 309 retained).
Molecular consequence: synonymous variant. On other transcripts: 5 prime UTR variant (2), non-coding transcript variant (1), intron variant (1).
Genome position (GRCh38, 1-based): chr7:5,992,034, G>C on the plus strand (C>G on the coding strand, the complement: PMS2 is on the minus strand). VCF-style: chr7-5992034-G-C. GRCh37 (hg19) VCF-style: chr7-6031665-G-C.
Other names: c.522C>G, p.Val174= (NM_001322003.2, NM_001322004.2, NM_001322005.2 and 19 more transcripts); c.927C>G, p.Val309= (NM_001322006.2, NM_001322014.2, NM_001406870.1 and 2 more transcripts); c.609C>G, p.Val203= (NM_001322007.2, NM_001322008.2, NM_001406876.1 and 4 more transcripts); c.-7C>G (NM_001322011.2, NM_001322012.2); c.354C>G, p.Val118= (NM_001322013.2, NM_001406909.1); c.618C>G, p.Val206= (NM_001322015.2, NM_001406875.1, NM_001406877.1 and 6 more transcripts); c.1113C>G, p.Val371= (NM_001406866.1); c.951C>G, p.Val317= (NM_001406868.1); and 8 more.
Identifiers: ClinVar variation 3904506 (VCV003904506.1).

ClinVar aggregate classification (germline): Benign (1 of 4 stars; one submission).

Conditions:
Lynch syndrome 4 (LYNCH4). Also called: Colorectal cancer, hereditary nonpolyposis, type 4; Hereditary non-polyposis colorectal cancer, type 4. Identifiers: Orphanet 144, MedGen C1838333, MONDO:0013699, OMIM 614337. Disease mechanism: loss of function.

Submission:

Myriad Genetics, Inc.
Classification: Benign for Lynch syndrome 4. Last evaluated: 2025-01-29. Review status: criteria provided, single submitter. Criteria: Myriad Autosomal Dominant, Autosomal Recessive and X-Linked Classification Criteria (2023). Collection method: clinical testing. Allele origin: unknown.
Comment: This variant is considered benign. This variant is a silent/synonymous amino acid change and it is not expected to impact splicing.